The following is an entry in ClinVar:

ClinVar aggregate classification (germline): Pathogenic. Review status: criteria provided, multiple submitters, no conflicts (2 of 4 stars). 5 submissions from 5 submitters: Pathogenic (4). 1 of the submissions does not count toward it. Last evaluated 2025-11-01.

Conditions:
Epithelial recurrent erosion dystrophy (ERED). Also called: CORNEAL EROSIONS, RECURRING HEREDITARY. Identifiers: Orphanet 293381, MedGen C1852551, MONDO:0007381, OMIM 122400.
COL17A1-related disorders.
Corneal dystrophy. Identifiers: Orphanet 34533, MedGen C0010036, MONDO:0018102, HP:0001131.

Allele frequency attached by ClinVar (database versions not stated): gnomAD 0.00001 and 0.00002; gnomAD exomes 0.00001 and below 0.00001; 1000 Genomes Project 30x 0.00016; TOPMed below 0.00001; ExAC 0.00001.
gnomAD v4.1: 22 of 1,614,156 alleles (0.0014%); highest among the groups gnomAD compares: East Asian, 0.0022%; no homozygotes.

Submissions (5):

CeGaT Center for Human Genetics Tuebingen
Classification: Pathogenic. Last evaluated: 2025-11-01. Review status: criteria provided, single submitter. Criteria: CeGaT Center For Human Genetics Tuebingen Variant Classification Criteria Version 2. Collection method: clinical testing. Allele origin: germline. Affected: yes. Observed: 2 variant alleles.
Comment: COL17A1: PP1:Strong, PS4, PVS1:Strong, PP4

Blueprint Genetics
Classification: Pathogenic for COL17A1-related disorders. Last evaluated: 2024-10-28. Review status: criteria provided, single submitter. Criteria: ACMG Guidelines, 2015. Collection method: clinical testing. Allele origin: germline. Affected: yes. Observed: 5 variant alleles.

Labcorp Genetics (formerly Invitae), Labcorp
Classification: Pathogenic. Last evaluated: 2024-04-09. Review status: criteria provided, single submitter. Criteria: Invitae Variant Classification Sherloc (09022015). Collection method: clinical testing. Allele origin: germline.
Comment: This sequence change affects codon 1052 of the COL17A1 mRNA. It is a 'silent' change, meaning that it does not change the encoded amino acid sequence of the COL17A1 protein. RNA analysis indicates that this variant induces altered splicing and likely results in the loss of 17 amino acid residue(s), but is expected to preserve the integrity of the reading-frame. This variant is present in population databases (rs760714959, gnomAD 0.006%). This variant has been observed in individuals with autosomal dominant epithelial recurrent erosion dystrophy (PMID: 26786512). It has also been observed to segregate with disease in related individuals. ClinVar contains an entry for this variant (Variation ID: 208978). Studies have shown that this variant results in the activation of a cryptic splice site in exon 46 (PMID: 25676728). For these reasons, this variant has been classified as Pathogenic.

Genetics and Molecular Pathology, SA Pathology
Classification: Pathogenic for Corneal dystrophy. Last evaluated: 2023-04-28. Review status: criteria provided, single submitter. Criteria: ACMG Guidelines, 2015. Collection method: clinical testing. Allele origin: germline. Affected: yes.

OMIM
Classification: Pathogenic for EPITHELIAL RECURRENT EROSION DYSTROPHY. Last evaluated: 2015-04-01. Review status: no assertion criteria provided. Collection method: literature only. Allele origin: germline. Not counted in ClinVar's aggregate classification.

Literature cited by the submitters: PubMed 26786512 (cited by Labcorp Genetics (formerly Invitae), Labcorp and OMIM); PubMed 25676728 (cited by Labcorp Genetics (formerly Invitae), Labcorp and OMIM); PubMed 2663347 (cited by OMIM); PubMed 14562173 (cited by OMIM); PubMed 27309958 (cited by OMIM); PubMed 19710953 (cited by OMIM).

NM_000494.4(COL17A1):c.3156C>T (p.Gly1052=)

Gene: COL17A1 (collagen type XVII alpha 1 chain; minus strand). Cytogenetic location: 10q25.1.
Variant type: single nucleotide variant.
Coding change: c.3156C>T on transcript NM_000494.4 (MANE Select); coding-DNA position 3156, C replaced by T.
Protein change: p.Gly1052=; no amino-acid change (glycine 1052 retained).
Molecular consequence: synonymous variant.
Genome position (GRCh38, 1-based): chr10:104,037,688, G>A on the plus strand (C>T on the coding strand, the complement: COL17A1 is on the minus strand). VCF-style: chr10-104037688-G-A. GRCh37 (hg19) VCF-style: chr10-105797446-G-A.
Other names: G1052G; c.3156C>T, p.Gly1052= (LRG_1249t1).
Identifiers: ClinVar variation 208978 (VCV000208978.12), dbSNP rs760714959, ClinGen allele CA204962.